The following is an entry in ClinVar:

NM_032578.4(MYPN):c.1318-322C>T

Gene: MYPN (myopalladin; plus strand). Cytogenetic location: 10q21.3.
Variant type: single nucleotide variant.
Coding change: c.1318-322C>T on transcript NM_032578.4 (MANE Select); 322 bases into the intron before coding-DNA position 1318, C replaced by T.
Molecular consequence: intron variant.
Genome position (GRCh38, 1-based): chr10:68,158,164, C>T. VCF-style: chr10-68158164-C-T. GRCh37 (hg19) VCF-style: chr10-69917921-C-T.
Other names: c.1318-322C>T (NM_001256267.2); c.436-322C>T (NM_001256268.2).
Identifiers: ClinVar variation 683654 (VCV000683654.2), dbSNP rs2176105, ClinGen allele CA13222914.

ClinVar aggregate classification (germline): Benign. Review status: criteria provided, multiple submitters, no conflicts (2 of 4 stars). 2 submissions from 2 submitters: Benign (2). Last evaluated 2018-06-18.

Allele frequency attached by ClinVar (database versions not stated): 1000 Genomes Project 0.67911; 1000 Genomes Project 30x 0.69019; gnomAD exomes 0.73579; TOPMed 0.76772; gnomAD 0.76888 and 0.78014.
gnomAD v4.1: 202,889 of 268,854 alleles (75%); highest among the groups gnomAD compares: African/African-American, 86%; 78,329 homozygotes.

Submissions (2):

GeneDx
Classification: Benign. Last evaluated: 2018-06-18. Review status: criteria provided, single submitter. Criteria: GeneDx Variant Classification (06012015). Collection method: clinical testing. Allele origin: germline. Affected: yes.
Comment: This variant is considered likely benign or benign based on one or more of the following criteria: it is a conservative change, it occurs at a poorly conserved position in the protein, it is predicted to be benign by multiple in silico algorithms, and/or has population frequency not consistent with disease.

Breakthrough Genomics
Classification: Benign. Review status: criteria provided, single submitter. Criteria: ACMG Guidelines, 2015. Collection method: not provided. Allele origin: germline. Inheritance: Autosomal recessive inheritance. Affected: yes.